The following is an entry in ClinVar:

NM_000368.5(TSC1):c.19G>A (p.Val7Ile)

Gene: TSC1 (TSC complex subunit 1; minus strand). Cytogenetic location: 9q34.13.
Variant type: single nucleotide variant.
Coding change: c.19G>A on transcript NM_000368.5 (MANE Select); coding-DNA position 19, G replaced by A.
Protein change: p.Val7Ile; replaces valine 7 with isoleucine.
Molecular consequence: missense variant. On other transcripts: 5 prime UTR variant (16), non-coding transcript variant (5), intron variant (2).
Genome position (GRCh38, 1-based): chr9:132,928,854, C>T on the plus strand (G>A on the coding strand, the complement: TSC1 is on the minus strand). VCF-style: chr9-132928854-C-T. GRCh37 (hg19) VCF-style: chr9-135804241-C-T.
Other names: c.19G>A, p.Val7Ile (NM_001406603.1, NM_001406604.1, NM_001406605.1 and 21 more transcripts); c.-241G>A (NM_001406617.1, NM_001406619.1, NM_001406621.1 and 3 more transcripts); c.-333G>A (NM_001406614.1); c.-470G>A (NM_001406615.1, NM_001406623.1); c.-437G>A (NM_001406616.1, NM_001406624.1); c.-859G>A (NM_001406626.1, NM_001406627.1, NM_001406628.1); c.-1001G>A (NM_001406629.1); c.-1075G>A (NM_001406630.1); and 1 more; short protein forms V7I.
Identifiers: ClinVar variation 2902497 (VCV002902497.3), dbSNP rs2539146331, ClinGen allele CA375375436.
Genomic context (GRCh38, chr9:132,928,854, plus strand): 5'-CTGTCACGTCGTCCCGCACACCCAGCATGGGGGAGTCCAGCATGGCAAGAAGCTCCCCGA[C>T]ATTTGCTTGTTGGGCCATTCTCTCGCTCGAAGGCGCTGTGCTGGCTCCAGGACGTGTGCT-3'
Protein context (NP_000359.1, residues 1-17): MAQQAN[Val7Ile]GELLAMLDSP

ClinVar aggregate classification (germline): Uncertain significance (1 of 4 stars; one submission).

Conditions:
Tuberous sclerosis 1 (TSC1). Identifiers: Orphanet 805, MedGen C1854465, MONDO:0008612, OMIM 191100.

Allele frequency attached by ClinVar (database versions not stated): gnomAD exomes below 0.00001.

Submission:

Labcorp Genetics (formerly Invitae), Labcorp
Classification: Uncertain significance for Tuberous sclerosis 1. Last evaluated: 2023-10-07. Review status: criteria provided, single submitter. Criteria: Invitae Variant Classification Sherloc (09022015). Collection method: clinical testing. Allele origin: germline.
Comment: This sequence change replaces valine, which is neutral and non-polar, with isoleucine, which is neutral and non-polar, at codon 7 of the TSC1 protein (p.Val7Ile). This variant is not present in population databases (gnomAD no frequency). This variant has not been reported in the literature in individuals affected with TSC1-related conditions. Advanced modeling of protein sequence and biophysical properties (such as structural, functional, and spatial information, amino acid conservation, physicochemical variation, residue mobility, and thermodynamic stability) performed at Invitae indicates that this missense variant is not expected to disrupt TSC1 protein function. In summary, the available evidence is currently insufficient to determine the role of this variant in disease. Therefore, it has been classified as a Variant of Uncertain Significance.